The following is an entry in ClinVar:

NM_001257293.2(HNRNPH1):c.*65C>T

Genes: HNRNPH1 (heterogeneous nuclear ribonucleoprotein H1; minus strand), LOC128966623 (uncharacterized LOC128966623; plus strand). Cytogenetic location: 5q35.3.
Variant type: single nucleotide variant.
Coding change: c.*65C>T on transcript NM_001257293.2 (MANE Select); 65 bases downstream of the stop codon, C replaced by T.
Molecular consequence: 3 prime UTR variant. On other transcripts: synonymous variant (16).
Genome position (GRCh38, 1-based): chr5:179,614,895, G>A on the plus strand (C>T on the coding strand, the complement: HNRNPH1 is on the minus strand). VCF-style: chr5-179614895-G-A. GRCh37 (hg19) VCF-style: chr5-179041896-G-A.
Other names: c.*65C>T (NM_001363572.2, NM_001364231.2, NM_001364233.2 and 32 more transcripts); c.1365C>T, p.Asn455= (NM_001364225.2, NM_001364226.2, NM_001364227.2 and 2 more transcripts); c.1305C>T, p.Asn435= (NM_001364230.2, NM_001364232.2, NM_001395177.1); c.1284C>T, p.Asn428= (NM_001364240.2); c.762C>T, p.Asn254= (NM_001364251.2, NM_001364252.2, NM_001364253.2); c.1356C>T, p.Asn452= (NM_001395178.1); c.1344C>T, p.Asn448= (NM_001395179.1, NM_001395180.1); c.1335C>T, p.Asn445= (NM_001395181.1).
Identifiers: ClinVar variation 3770641 (VCV003770641.13).

ClinVar aggregate classification (germline): Likely benign (1 of 4 stars; one submission).

Submission:

CeGaT Center for Human Genetics Tuebingen
Classification: Likely benign. Last evaluated: 2025-02-01. Review status: criteria provided, single submitter. Criteria: CeGaT Center For Human Genetics Tuebingen Variant Classification Criteria Version 2. Collection method: clinical testing. Allele origin: germline. Affected: yes. Observed: 1 variant allele.
Comment: HNRNPH1: BP4, BP7